The following is an entry in ClinVar:

NM_000138.5(FBN1):c.5425A>G (p.Ile1809Val)

Gene: FBN1 (fibrillin 1; minus strand). Cytogenetic location: 15q21.1.
Variant type: single nucleotide variant.
Coding change: c.5425A>G on transcript NM_000138.5 (MANE Select); coding-DNA position 5425, A replaced by G.
Protein change: p.Ile1809Val; replaces isoleucine 1809 with valine.
Molecular consequence: missense variant.
Genome position (GRCh38, 1-based): chr15:48,452,682, T>C on the plus strand (A>G on the coding strand, the complement: FBN1 is on the minus strand). VCF-style: chr15-48452682-T-C. GRCh37 (hg19) VCF-style: chr15-48744879-T-C.
Other names: c.5425A>G, p.Ile1809Val (NM_001406716.1); short protein forms I1809V.
Identifiers: ClinVar variation 2934476 (VCV002934476.4), dbSNP rs2043210605, ClinGen allele CA392344491.

ClinVar aggregate classification (germline): Uncertain significance. Review status: criteria provided, multiple submitters, no conflicts (2 of 4 stars). 2 submissions from 2 submitters: Uncertain significance (2). Last evaluated 2025-01-06.

Conditions:
Marfan syndrome (MFS). Also called: MARFAN SYNDROME, TYPE I; Marfan syndrome type 1; Marfan's syndrome; Marfan syndrome, classic; FBN1-Related Marfan Syndrome. Identifiers: Orphanet 284963, Orphanet 558, MedGen C0024796, MONDO:0007947, OMIM 154700.
Familial thoracic aortic aneurysm and aortic dissection (TAAD). Also called: Thoracic aortic aneurysms and dissections. Identifiers: Orphanet 91387, MedGen C4707243, MONDO:0019625.

gnomAD v4.1: 5 of 1,614,108 alleles (0.00031%); highest among the groups gnomAD compares: East Asian, 0.0022%; no homozygotes.

Submissions (2):

Color Diagnostics, LLC DBA Color Health
Classification: Uncertain significance for Familial thoracic aortic aneurysm and aortic dissection. Last evaluated: 2025-01-06. Review status: criteria provided, single submitter. Criteria: ACMG Guidelines, 2015. Collection method: clinical testing. Allele origin: germline.
Comment: This missense variant replaces isoleucine with valine at codon 1809 of the FBN1 protein. Computational prediction is inconclusive regarding the impact of this variant on protein structure and function (internally defined REVEL score threshold 0.5 < inconclusive < 0.7, PMID: 27666373). To our knowledge, functional studies have not been reported for this variant. This variant has not been reported in individuals affected with FBN1-related disorders in the literature. This variant has not been identified in the general population by the Genome Aggregation Database (gnomAD). The available evidence is insufficient to determine the role of this variant in disease conclusively. Therefore, this variant is classified as a Variant of Uncertain Significance.

Labcorp Genetics (formerly Invitae), Labcorp
Classification: Uncertain significance for Marfan syndrome; Familial thoracic aortic aneurysm and aortic dissection. Last evaluated: 2023-11-06. Review status: criteria provided, single submitter. Criteria: Invitae Variant Classification Sherloc (09022015). Collection method: clinical testing. Allele origin: germline.
Comment: This sequence change replaces isoleucine, which is neutral and non-polar, with valine, which is neutral and non-polar, at codon 1809 of the FBN1 protein (p.Ile1809Val). This variant is not present in population databases (gnomAD no frequency). This variant has not been reported in the literature in individuals affected with FBN1-related conditions. An algorithm developed to predict the effect of missense changes on protein structure and function (PolyPhen-2) suggests that this variant is likely to be tolerated. In summary, the available evidence is currently insufficient to determine the role of this variant in disease. Therefore, it has been classified as a Variant of Uncertain Significance.